The following is an entry in ClinVar:

NM_152564.5(VPS13B):c.2667G>T (p.Glu889Asp)

Gene: VPS13B (vacuolar protein sorting 13 homolog B; plus strand). Cytogenetic location: 8q22.2.
Variant type: single nucleotide variant.
Coding change: c.2667G>T on transcript NM_152564.5 (MANE Select); coding-DNA position 2667, G replaced by T.
Protein change: p.Glu889Asp; replaces glutamic acid 889 with aspartic acid.
Molecular consequence: missense variant.
Genome position (GRCh38, 1-based): chr8:99,275,097, G>T. VCF-style: chr8-99275097-G-T. GRCh37 (hg19) VCF-style: chr8-100287325-G-T.
Other names: c.2667G>T, p.Glu889Asp (NM_017890.5); short protein forms E889D.
Identifiers: ClinVar variation 857779 (VCV000857779.7), dbSNP rs369849286, ClinGen allele CA4822999.

ClinVar aggregate classification (germline): Uncertain significance. Review status: criteria provided, single submitter (1 of 4 stars). 2 submissions from 2 submitters: Uncertain significance (1). 1 of the submissions does not count toward it. Last evaluated 2022-07-26.

Conditions:
Cohen syndrome (COH1). Also called: PEPPER SYNDROME; Cutis verticis gyrata, retinitis pigmentosa, and sensorineural deafness. Identifiers: Orphanet 193, MedGen C0265223, MONDO:0008999, OMIM 216550.

Allele frequency attached by ClinVar (database versions not stated): gnomAD exomes 0.00001; ExAC 0.00002; gnomAD 0.00002; TOPMed 0.00004; ESP Exome Variant Server 0.00008.

Submissions (2):

Labcorp Genetics (formerly Invitae), Labcorp
Classification: Uncertain significance for Cohen syndrome. Last evaluated: 2022-07-26. Review status: criteria provided, single submitter. Criteria: Invitae Variant Classification Sherloc (09022015). Collection method: clinical testing. Allele origin: germline.
Comment: This sequence change replaces glutamic acid, which is acidic and polar, with aspartic acid, which is acidic and polar, at codon 889 of the VPS13B protein (p.Glu889Asp). This variant is present in population databases (rs369849286, gnomAD 0.01%). This variant has not been reported in the literature in individuals affected with VPS13B-related conditions. ClinVar contains an entry for this variant (Variation ID: 857779). Algorithms developed to predict the effect of missense changes on protein structure and function are either unavailable or do not agree on the potential impact of this missense change (SIFT: "Not Available"; PolyPhen-2: "Possibly Damaging"; Align-GVGD: "Not Available"). Algorithms developed to predict the effect of sequence changes on RNA splicing suggest that this variant may create or strengthen a splice site. In summary, the available evidence is currently insufficient to determine the role of this variant in disease. Therefore, it has been classified as a Variant of Uncertain Significance.

Natera, Inc.
Classification: Uncertain significance for Cohen syndrome. Last evaluated: 2020-09-16. Review status: no assertion criteria provided. Collection method: clinical testing. Allele origin: germline. Not counted in ClinVar's aggregate classification.